The following is an entry in ClinVar:

ClinVar aggregate classification (germline): Uncertain significance (1 of 4 stars; one submission).

gnomAD v4.1: 1 of 1,614,074 alleles (0.000062%); highest among the groups gnomAD compares: Admixed American, 0.0017%; no homozygotes.

Submission:

GeneDx
Classification: Uncertain significance. Last evaluated: 2026-04-02. Review status: criteria provided, single submitter. Criteria: GeneDx Variant Classification Process June 2021. Collection method: clinical testing. Allele origin: germline.
Comment: Not observed at significant frequency in large population cohorts (gnomAD); In silico analysis suggests that this missense variant does not alter protein structure/function; Has not been previously published as pathogenic or benign to our knowledge

NM_017714.3(TASP1):c.73A>G (p.Ile25Val)

Gene: TASP1 (taspase 1; minus strand). Cytogenetic location: 20p12.1.
Variant type: single nucleotide variant.
Coding change: c.73A>G on transcript NM_017714.3 (MANE Select); coding-DNA position 73, A replaced by G.
Protein change: p.Ile25Val; replaces isoleucine 25 with valine.
Molecular consequence: missense variant. On other transcripts: 5 prime UTR variant (2), non-coding transcript variant (4).
Genome position (GRCh38, 1-based): chr20:13,630,006, T>C on the plus strand (A>G on the coding strand, the complement: TASP1 is on the minus strand). VCF-style: chr20-13630006-T-C. GRCh37 (hg19) VCF-style: chr20-13610653-T-C.
Other names: c.73A>G, p.Ile25Val (NM_001323602.2); c.-501A>G (NM_001323603.2); c.-309A>G (NM_001323604.2); short protein forms I25V.
Identifiers: ClinVar variation 5018117 (VCV005018117.1).
Genomic context (GRCh38, chr20:13,630,006, plus strand): 5'-ACACAAAGCCTCCTCGTTTCTCTTTATAGGACTGCTTTGTTTCCAACTCTTTGGCTGTTA[T>C]TTTACCAGCCGAAACCTGAGATGATCTGGAAGGCAGCCCTTCTCCAGAACTCATCCCCTT-3'
Protein context (NP_060184.2, residues 15-35): SRSSQVSAGK[Ile25Val]TAKELETKQS